The following is an entry in ClinVar:

NM_000159.4(GCDH):c.90dup (p.Glu31fs)

Genes: GCDH (glutaryl-CoA dehydrogenase; plus strand), LOC117125594 (CRISPRi-FlowFISH-validated KLF1 regulatory element; plus strand). Cytogenetic location: 19p13.13.
Variant type: Duplication.
Coding change: c.90dup on transcript NM_000159.4 (MANE Select); coding-DNA position 90, one base duplicated (C; older notation c.90dupC).
Protein change: p.Glu31fs; shifts the reading frame from glutamic acid 31.
Molecular consequence: frameshift variant. On other transcripts: non-coding transcript variant (2).
Genome position (GRCh38, 1-based): chr19:12,891,394, C duplicated; the last of 2 consecutive C bases (chr19:12,891,393-12,891,394); duplicating either gives the same sequence. VCF-style (leftmost placement, unchanged base first): chr19-12891392-A-AC. GRCh37 (hg19) VCF-style: chr19-13002206-A-AC.
Other names: c.90dup, p.Glu31fs (NM_013976.5); short protein forms E31fs.
Identifiers: ClinVar variation 5011846 (VCV005011846.1).

ClinVar aggregate classification (germline): Pathogenic (1 of 4 stars; one submission).

Conditions:
Glutaric aciduria, type 1. Also called: GA I; Glutaryl-CoA dehydrogenase deficiency; Glutaric acidemia type I; Glutaricacidemia Type 1; Glutaricaciduria, type I; Glutaric Acidemia Type 1. Identifiers: Orphanet 25, MedGen C0268595, MONDO:0009281, OMIM 231670.

Submission:

Myriad Genetics, Inc.
Classification: Pathogenic for Glutaric aciduria, type 1. Last evaluated: 2023-09-27. Review status: criteria provided, single submitter. Criteria: Myriad Autosomal Dominant, Autosomal Recessive and X-Linked Classification Criteria (2023). Collection method: clinical testing. Allele origin: unknown.
Comment: NM_000159.2(GCDH):c.90dupC(E31Rfs*12) is expected to be pathogenic in the context of glutaric acidemia, GCDH-related. This variant is predicted to lead to an abnormal or absent protein product due to the creation of a premature termination codon in GCDH, a gene where loss-of-function variants are known to be pathogenic. Please note: this variant was assessed in the context of healthy population screening.